The following is an entry in ClinVar:

NM_001042492.3(NF1):c.3439C>A (p.Leu1147Ile)

Gene: NF1 (neurofibromin 1; plus strand). Cytogenetic location: 17q11.2.
Variant type: single nucleotide variant.
Coding change: c.3439C>A on transcript NM_001042492.3 (MANE Select); coding-DNA position 3439, C replaced by A.
Protein change: p.Leu1147Ile; replaces leucine 1147 with isoleucine.
Molecular consequence: missense variant.
Genome position (GRCh38, 1-based): chr17:31,232,824, C>A. VCF-style: chr17-31232824-C-A. GRCh37 (hg19) VCF-style: chr17-29559842-C-A.
Other names: c.3439C>A, p.Leu1147Ile (NM_000267.4); short protein forms L1147I.
Identifiers: ClinVar variation 3404813 (VCV003404813.3).
Genomic context (GRCh38, chr17:31,232,824, plus strand): 5'-ACAGGTGGCAGGAAACGTGGCATGTCTCGGAGGCTGGCATCACTGAGGCACTGTACGGTC[C>A]TTGCAATGTCAAACTTACTCAATGCCAACGTAGACAGTGGTCTCATGCACTCCATAGGTG-3'
Protein context (NP_001035957.1, residues 1137-1157): RLASLRHCTV[Leu1147Ile]AMSNLLNANV

ClinVar aggregate classification (germline): Conflicting classifications of pathogenicity. Review status: criteria provided, conflicting classifications (1 of 4 stars). 2 submissions from 2 submitters: Uncertain significance (1); Likely benign (1). Last evaluated 2024-11-01.

Conditions:
Hereditary cancer-predisposing syndrome. Also called: Hereditary Cancer Syndrome; Hereditary neoplastic syndrome; Neoplastic Syndromes, Hereditary; Tumor predisposition. Identifiers: Orphanet 140162, MedGen C0027672, MeSH D009386, MONDO:0015356.
Cardiovascular phenotype. Identifiers: MedGen CN230736.
Neurofibromatosis, type 1 (NF1). Also called: NEUROFIBROMATOSIS, TYPE I, SOMATIC; Neurofibromatosis, type I; Peripheral type neurofibromatosis; VON RECKLINGHAUSEN DISEASE. Identifiers: Orphanet 636, MedGen C0027831, MONDO:0018975, OMIM 162200. Disease mechanism: loss of function.

Submissions (2):

Ambry Genetics
Classification: Likely benign for Cardiovascular phenotype; Hereditary cancer-predisposing syndrome. Last evaluated: 2024-11-01. Review status: criteria provided, single submitter. Criteria: Ambry Variant Classification Scheme 2023. Collection method: clinical testing. Allele origin: germline.

Labcorp Genetics (formerly Invitae), Labcorp
Classification: Uncertain significance for Neurofibromatosis, type 1. Last evaluated: 2024-04-09. Review status: criteria provided, single submitter. Criteria: Invitae Variant Classification Sherloc (09022015). Collection method: clinical testing. Allele origin: germline.
Comment: This sequence change replaces leucine, which is neutral and non-polar, with isoleucine, which is neutral and non-polar, at codon 1147 of the NF1 protein (p.Leu1147Ile). This variant is not present in population databases (gnomAD no frequency). This variant has not been reported in the literature in individuals affected with NF1-related conditions. Advanced modeling of protein sequence and biophysical properties (such as structural, functional, and spatial information, amino acid conservation, physicochemical variation, residue mobility, and thermodynamic stability) performed at Invitae indicates that this missense variant is not expected to disrupt NF1 protein function with a negative predictive value of 95%. In summary, the available evidence is currently insufficient to determine the role of this variant in disease. Therefore, it has been classified as a Variant of Uncertain Significance.